The following is an entry in ClinVar:

ClinVar aggregate classification (germline): Pathogenic (1 of 4 stars; one submission).

Conditions:
Beta-D-mannosidosis (MANSB). Also called: Beta-Mannosidosis; MANNOSIDOSIS, BETA A, LYSOSOMAL; BETA-MANNOSIDASE DEFICIENCY; LYSOSOMAL BETA-MANNOSIDASE DEFICIENCY. Identifiers: Orphanet 118, MedGen C4048196, MONDO:0009562, OMIM 248510.

Submission:

Labcorp Genetics (formerly Invitae), Labcorp
Classification: Pathogenic for Beta-D-mannosidosis. Last evaluated: 2023-09-27. Review status: criteria provided, single submitter. Criteria: Invitae Variant Classification Sherloc (09022015). Collection method: clinical testing. Allele origin: germline.
Comment: Retrotransposon insertions including LINE1 (L1), Alu, and SVA (SINE-VNTR-Alu) have been reported to be disease-causing through disruption of either a coding region or splice site (PMID: 19763152, 20307669, 22406018) and loss-of-function variants in MANBA are known to be pathogenic (PMID: 9384606, 12468273). For these reasons, this variant has been classified as Pathogenic. ClinVar contains an entry for this variant (Variation ID: 2095842). This variant has not been reported in the literature in individuals affected with MANBA-related conditions. This variant is not present in population databases (gnomAD no frequency). This sequence change inserts a large fragment of DNA, likely a transposable element, in exon 15 of the MANBA gene (c.2101_2102ins?), causing a frameshift at codon 700 (p.Asn700fs). The exact size and sequence of the insertion cannot be determined by the current assay. However, the insertion is expected to result in an absent or disrupted protein product.

Literature cited by the submitters: PubMed 19763152; PubMed 20307669; PubMed 22406018; PubMed 9384606; PubMed 12468273.

NM_005908.4(MANBA):c.2101_2102insTGTGACGGGCGCGGTGGCTCACGCCTGTAATCCCAGCACTGTGGGAGGCCGAGGCGGGCGGATCACGAGGTCAGNNNNNNNNNNAAAAAAAAAAAAAAAAAAAAGAGAATGAAAACA (p.Thr701delinsMetTer)

Gene: MANBA (mannosidase beta; minus strand). Cytogenetic location: 4q24.
Variant type: Insertion.
Coding change: c.2101_2102insTGTGACGGGCGCGGTGGCTCACGCCTGTAATCCCAGCACTGTGGGAGGCCGAGGCGGGCGGATCACGAGGTCAGNNNNNNNNNNAAAAAAAAAAAAAAAAAAAAGAGAATGAAAACA on transcript NM_005908.4 (MANE Select); coding-DNA positions 2101 to 2102, TGTGACGGGCGCGGTGGCTCACGCCTGTAATCCCAGCACTGTGGGAGGCCGAGGCGGGCGGATCACGAGGTCAGNNNNNNNNNNAAAAAAAAAAAAAAAAAAAAGAGAATGAAAACA inserted.
Protein change: p.Thr701delinsMetTer.
Molecular consequence: nonsense.
Genome position: GRCh38: chr4:102,635,933-102,635,934. GRCh37 (hg19): chr4:103,557,090-103,557,091.
Identifiers: ClinVar variation 2095842 (VCV002095842.4), dbSNP rs2476721458.